The following is an entry in ClinVar:

ClinVar aggregate classification (germline): Uncertain significance (1 of 4 stars; one submission).

Conditions:
Developmental and epileptic encephalopathy, 14 (DEE14). Also called: Early infantile epileptic encephalopathy 14. Identifiers: Orphanet 293181, MedGen C3554195, MONDO:0013989, OMIM 614959.
Autosomal dominant nocturnal frontal lobe epilepsy 5. Also called: Epilepsy, nocturnal frontal lobe, 5; KCNT1-Related Epilepsy; CILIARY DYSKINESIA, PRIMARY, 28, WITHOUT SITUS INVERSUS; CILIARY DYSKINESIA, PRIMARY, 28, WITH SITUS INVERSUS. Identifiers: Orphanet 98784, MedGen C3554306, MONDO:0014002, OMIM 615005.

Submission:

Labcorp Genetics (formerly Invitae), Labcorp
Classification: Uncertain significance for Autosomal dominant nocturnal frontal lobe epilepsy 5; Developmental and epileptic encephalopathy, 14. Last evaluated: 2022-12-15. Review status: criteria provided, single submitter. Criteria: Invitae Variant Classification Sherloc (09022015). Collection method: clinical testing. Allele origin: unknown.
Comment: In summary, the available evidence is currently insufficient to determine the role of this variant in disease. Therefore, it has been classified as a Variant of Uncertain Significance. This variant has not been reported in the literature in individuals affected with KCNT1-related conditions. This variant is a gross deletion of the genomic region encompassing exon(s) 26 of the KCNT1 gene. This variant would be expected to be in-frame, preserving the integrity of the reading frame.

NC_000009.11:g.(?_138676361)_(138676484_?)del

Gene: KCNT1 (potassium sodium-activated channel subfamily T member 1; plus strand). Cytogenetic location: 9q34.3.
Variant type: Deletion.
Identifiers: ClinVar variation 3245255 (VCV003245255.1).